The following is an entry in ClinVar:

NM_057175.5(NAA15):c.897del (p.Leu301fs)

Gene: NAA15 (N-alpha-acetyltransferase 15, NatA auxiliary subunit; plus strand). Cytogenetic location: 4q31.1.
Variant type: Deletion.
Coding change: c.897del on transcript NM_057175.5 (MANE Select); coding-DNA position 897, one base deleted (C; older notation c.897delC).
Protein change: p.Leu301fs; shifts the reading frame from leucine 301.
Molecular consequence: frameshift variant.
Genome position (GRCh38, 1-based): chr4:139,351,276, C deleted. VCF-style (leftmost placement, unchanged base first): chr4-139351275-AC-A. GRCh37 (hg19) VCF-style: chr4-140272429-AC-A.
Other names: NM_057175.5:c.897del; c.897del, p.Leu301fs (NM_001410842.1); c.897delC, p.Leu301Tyrfs (NM_025085.2); short protein forms L301fs.
Identifiers: ClinVar variation 3075959 (VCV003075959.2), dbSNP rs2530396336, ClinGen allele CA2579984140.

ClinVar aggregate classification (germline): Likely pathogenic. Review status: criteria provided, multiple submitters, no conflicts (2 of 4 stars). 2 submissions from 2 submitters: Likely pathogenic (2). Last evaluated 2026-03-02.

Conditions:
Intellectual developmental disorder, autosomal dominant 50, with behavioral abnormalities. Also called: Intellectual disability, autosomal dominant 50; MENTAL RETARDATION, AUTOSOMAL DOMINANT 50. Identifiers: MedGen C4540470, MONDO:0030916, OMIM 617787.
Intellectual disability. Also called: intellectual disabilities; Intellectual developmental disorder; Intellectual functioning disability. Identifiers: MedGen C3714756, MeSH D008607, MONDO:0001071, HP:0001249.

Submissions (2):

Broad Center for Mendelian Genomics, Broad Institute of MIT and Harvard
Classification: Likely pathogenic for Intellectual developmental disorder, autosomal dominant 50, with behavioral abnormalities. Last evaluated: 2026-03-02. Review status: criteria provided, single submitter. Criteria: ACMG Guidelines, 2015. Collection method: research. Allele origin: germline. Inheritance: Autosomal dominant inheritance.
Comment: The p.Leu301TyrfsTer14 variant in NAA15 has not been previously reported in the literature in individuals with autosomal dominant intellectual developmental disorder-50 with behavioral abnormalities and was absent from large population studies. This variant is predicted to cause a frameshift, which alters the protein’s amino acid sequence beginning at position 301 and leads to a premature termination codon 14 amino acids downstream. This alteration is then predicted to lead to a truncated or absent protein. Heterozygous loss of function of the NAA15 gene is an established disease mechanism in autosomal dominant intellectual developmental disorder-50 with behavioral abnormalities. In summary, although additional studies are required to fully establish its clinical significance, this variant is likely pathogenic for autosomal dominant intellectual developmental disorder-50 with behavioral abnormalities. ACMG/AMP Criteria applied: PVS1, PM2_supporting (Richards 2015).

Laboratory for Molecular Medicine, Mass General Brigham Personalized Medicine
Classification: Likely pathogenic for Intellectual disability. Last evaluated: 2023-10-18. Review status: criteria provided, single submitter. Criteria: ACMG Guidelines, 2015. Collection method: clinical testing. Allele origin: germline. Inheritance: Autosomal dominant inheritance.
Comment: The p.Leu301TyrfsX14 variant in NAA15 has not been previously reported in individuals with neurodevelopmental disorders and was absent from large population studies. This variant is predicted to cause a frameshift, which alters the protein’s amino acid sequence beginning at position 301 and leads to a premature termination codon 14 amino acids downstream. This is predicted to result in a truncated or absent protein. Loss of function of the NAA15 gene is an established disease mechanism in autosomal dominant syndromic intellectual disability. In summary, although additional studies are required to fully establish its clinical significance, this variant meets criteria to be classified as likely pathogenic for autosomal dominant syndromic intellectual disability. ACMG/AMP Criteria applied: PVS1, PM2_Supporting.